The following is an entry in ClinVar:

ClinVar aggregate classification (germline): Uncertain significance (1 of 4 stars; one submission).

Conditions:
Baller-Gerold syndrome (BGS). Also called: CRANIOSYNOSTOSIS WITH RADIAL DEFECTS. Identifiers: Orphanet 1225, MedGen C0265308, MONDO:0009039, OMIM 218600.

Submission:

Labcorp Genetics (formerly Invitae), Labcorp
Classification: Uncertain significance for Baller-Gerold syndrome. Last evaluated: 2022-12-11. Review status: criteria provided, single submitter. Criteria: Invitae Variant Classification Sherloc (09022015). Collection method: clinical testing. Allele origin: germline.
Comment: This missense change has been observed in individual(s) with clinical features of Rothmund-Thomson syndrome (PMID: 27247962). In summary, the available evidence is currently insufficient to determine the role of this variant in disease. Therefore, it has been classified as a Variant of Uncertain Significance. Advanced modeling of protein sequence and biophysical properties (such as structural, functional, and spatial information, amino acid conservation, physicochemical variation, residue mobility, and thermodynamic stability) performed at Invitae indicates that this missense variant is expected to disrupt RECQL4 protein function. This variant is not present in population databases (gnomAD no frequency). This sequence change replaces serine, which is neutral and polar, with arginine, which is basic and polar, at codon 1191 of the RECQL4 protein (p.Ser1191Arg).

Literature cited by the submitters: PubMed 27247962.

NM_004260.4(RECQL4):c.3571A>C (p.Ser1191Arg)

Gene: RECQL4 (RecQ like helicase 4; minus strand). Cytogenetic location: 8q24.3.
Variant type: single nucleotide variant.
Coding change: c.3571A>C on transcript NM_004260.4 (MANE Select); coding-DNA position 3571, A replaced by C.
Protein change: p.Ser1191Arg; replaces serine 1191 with arginine.
Molecular consequence: missense variant. On other transcripts: non-coding transcript variant (3).
Genome position (GRCh38, 1-based): chr8:144,511,487, T>G on the plus strand (A>C on the coding strand, the complement: RECQL4 is on the minus strand). VCF-style: chr8-144511487-T-G. GRCh37 (hg19) VCF-style: chr8-145736870-T-G.
Other names: c.3646A>C, p.Ser1216Arg (NM_001413019.1); c.3475A>C, p.Ser1159Arg (NM_001413020.1); c.2500A>C, p.Ser834Arg (NM_001413021.1, NM_001413022.1, NM_001413024.1 and 4 more transcripts); c.2575A>C, p.Ser859Arg (NM_001413023.1); c.3442A>C, p.Ser1148Arg (NM_001413025.1); c.2434A>C, p.Ser812Arg (NM_001413027.1, NM_001413030.1, NM_001413032.1); c.3220A>C, p.Ser1074Arg (NM_001413029.1); c.2302A>C, p.Ser768Arg (NM_001413031.1, NM_001413038.1); and 9 more; short protein forms S1125R, S1159R, S1181R, S1147R, S1148R, S1194R, S768R, S859R.
Identifiers: ClinVar variation 2820099 (VCV002820099.3), dbSNP rs2537959090, ClinGen allele CA372665773.